The following is an entry in ClinVar:

ClinVar aggregate classification (germline): Benign/Likely benign. Review status: criteria provided, multiple submitters, no conflicts (2 of 4 stars). 4 submissions from 4 submitters: Benign (2); Likely benign (1). 1 of the submissions does not count toward it. Last evaluated 2026-09-01.

Conditions:
MYO18B-related disorder. Also called: MYO18B-related condition.

Allele frequency attached by ClinVar (database versions not stated): 1000 Genomes Project 0.00220; 1000 Genomes Project 30x 0.00250; TOPMed 0.00526; ESP Exome Variant Server 0.00602; gnomAD 0.00621 and 0.00666; gnomAD exomes 0.00632 and 0.00723; ExAC 0.00635.
gnomAD v4.1: 11,436 of 1,613,892 alleles (0.71%); highest among the groups gnomAD compares: Non-Finnish European, 0.8%; 58 homozygotes.

Submissions (4):

CeGaT Center for Human Genetics Tuebingen
Classification: Likely benign. Last evaluated: 2026-09-01. Review status: criteria provided, single submitter. Criteria: CeGaT Center For Human Genetics Tuebingen Variant Classification Criteria Version 2. Collection method: clinical testing. Allele origin: germline. Affected: yes. Observed: 12 variant alleles.
Comment: MYO18B: BP4, BP7, BS2

Labcorp Genetics (formerly Invitae), Labcorp
Classification: Benign. Last evaluated: 2026-02-01. Review status: criteria provided, single submitter. Criteria: Invitae Variant Classification Sherloc (09022015). Collection method: clinical testing. Allele origin: germline.

Breakthrough Genomics
Classification: Benign. Review status: criteria provided, single submitter. Criteria: ACMG Guidelines, 2015. Collection method: not provided. Allele origin: germline. Inheritance: Autosomal recessive inheritance. Affected: yes.

PreventionGenetics, part of Exact Sciences
Classification: Likely benign for MYO18B-related condition. Last evaluated: 2019-07-01. Review status: no assertion criteria provided. Collection method: clinical testing. Allele origin: germline. Not counted in ClinVar's aggregate classification.
Comment: This variant is classified as likely benign based on ACMG/AMP sequence variant interpretation guidelines (Richards et al. 2015 PMID: 25741868, with internal and published modifications).

NM_032608.7(MYO18B):c.7389T>C (p.Gly2463=)

Gene: MYO18B (myosin XVIIIB; plus strand). Cytogenetic location: 22q12.1.
Variant type: single nucleotide variant.
Coding change: c.7389T>C on transcript NM_032608.7 (MANE Select); coding-DNA position 7389, T replaced by C.
Protein change: p.Gly2463=; no amino-acid change (glycine 2463 retained).
Molecular consequence: synonymous variant.
Genome position (GRCh38, 1-based): chr22:26,027,363, T>C. VCF-style: chr22-26027363-T-C. GRCh37 (hg19) VCF-style: chr22-26423329-T-C.
Other names: c.7392T>C, p.Gly2464= (NM_001318245.2).
Identifiers: ClinVar variation 784727 (VCV000784727.35), dbSNP rs185466872, ClinGen allele CA10161765.